The following is an entry in ClinVar:

NM_007129.5(ZIC2):c.1256C>G (p.Pro419Arg)

Gene: ZIC2 (Zic family zinc finger 2; plus strand). Cytogenetic location: 13q32.3.
Variant type: single nucleotide variant.
Coding change: c.1256C>G on transcript NM_007129.5 (MANE Select); coding-DNA position 1256, C replaced by G.
Protein change: p.Pro419Arg; replaces proline 419 with arginine.
Molecular consequence: missense variant.
Genome position (GRCh38, 1-based): chr13:99,985,339, C>G. VCF-style: chr13-99985339-C-G. GRCh37 (hg19) VCF-style: chr13-100637593-C-G.
Other names: c.1256C>G (NM_007129.3); short protein forms P419R.
Identifiers: ClinVar variation 3611416 (VCV003611416.3).

ClinVar aggregate classification (germline): Uncertain significance. Review status: criteria provided, multiple submitters, no conflicts (2 of 4 stars). 2 submissions from 2 submitters: Uncertain significance (2). Last evaluated 2025-08-11.

Conditions:
Holoprosencephaly 5 (HPE5). Identifiers: Orphanet 2162, MedGen C1864827, MONDO:0012322, OMIM 609637.
Inborn genetic diseases. Identifiers: MedGen C0950123, MeSH D030342.

gnomAD v4.1: 16 of 1,598,186 alleles (0.001%); highest among the groups gnomAD compares: East Asian, 0.0022%; no homozygotes.

Submissions (2):

Ambry Genetics
Classification: Uncertain significance for Inborn genetic diseases. Last evaluated: 2025-08-11. Review status: criteria provided, single submitter. Criteria: Ambry Variant Classification Scheme 2023. Collection method: clinical testing. Allele origin: germline.

Labcorp Genetics (formerly Invitae), Labcorp
Classification: Uncertain significance for Holoprosencephaly 5. Last evaluated: 2024-12-29. Review status: criteria provided, single submitter. Criteria: Invitae Variant Classification Sherloc (09022015). Collection method: clinical testing. Allele origin: germline.
Comment: This sequence change replaces proline, which is neutral and non-polar, with arginine, which is basic and polar, at codon 419 of the ZIC2 protein (p.Pro419Arg). This variant is present in population databases (rs755198296, gnomAD 0.002%). This variant has not been reported in the literature in individuals affected with ZIC2-related conditions. Invitae Evidence Modeling of protein sequence and biophysical properties (such as structural, functional, and spatial information, amino acid conservation, physicochemical variation, residue mobility, and thermodynamic stability) indicates that this missense variant is not expected to disrupt ZIC2 protein function with a negative predictive value of 80%. In summary, the available evidence is currently insufficient to determine the role of this variant in disease. Therefore, it has been classified as a Variant of Uncertain Significance.